The following is an entry in ClinVar:

NM_130839.5(UBE3A):c.1363C>G (p.Leu455Val)

Genes: SNHG14 (small nucleolar RNA host gene 14; plus strand), UBE3A (ubiquitin protein ligase E3A; minus strand). Cytogenetic location: 15q11.2.
Variant type: single nucleotide variant.
Coding change: c.1363C>G on transcript NM_130839.5 (MANE Select); coding-DNA position 1363, C replaced by G.
Protein change: p.Leu455Val; replaces leucine 455 with valine.
Molecular consequence: missense variant. On other transcripts: non-coding transcript variant (1), intron variant (2).
Genome position (GRCh38, 1-based): chr15:25,370,811, G>C on the plus strand (C>G on the coding strand, the complement: UBE3A is on the minus strand). VCF-style: chr15-25370811-G-C. GRCh37 (hg19) VCF-style: chr15-25615958-G-C.
Other names: c.1372C>G, p.Leu458Val (NM_000462.5); c.1363C>G, p.Leu455Val (NM_001354505.1, NM_001354538.2, NM_001354545.2); c.1303C>G, p.Leu435Val (NM_001354506.2, NM_001354507.2, NM_001354508.2 and 17 more transcripts); c.301+4654C>G (NM_001354551.2); c.361+4654C>G (NM_001354550.2); c.1186C>G, p.Leu396Val (NM_001354546.2); short protein forms L458V, L396V, L455V, L435V.
Identifiers: ClinVar variation 2830651 (VCV002830651.3), dbSNP rs1469018149, ClinGen allele CA391353777.
Genomic context (GRCh38, chr15:25,370,811, plus strand): 5'-TAAAAGAGAATTTGTTCTCTGTTTCTACTTTGAAAAAAGTATAATCTTTATCCATTTCTA[G>C]AACCTCATTCAGTGGTTCATTAATAAACTCTTCAAAAGGGATAAGTGGTTTTCGACAATC-3'
Protein context (NP_570854.1, residues 445-465): EFINEPLNEV[Leu455Val]EMDKDYTFFK

ClinVar aggregate classification (germline): Uncertain significance (1 of 4 stars; one submission).

Conditions:
Angelman syndrome (AS). Also called: HAPPY PUPPET SYNDROME. Identifiers: Orphanet 72, MedGen C0162635, MONDO:0007113, OMIM 105830. Disease mechanism: loss of function. Inheritance: AS is caused by disruption of maternally imprinted UBE3A located within the 15q11.2-q13 Angelman syndrome/Prader-Willi syndrome (AS/PWS) region., imprinting disorder.

Allele frequency attached by ClinVar (database versions not stated): gnomAD exomes below 0.00001.
gnomAD v4.1: 1 of 1,614,004 alleles (0.000062%); highest among the groups gnomAD compares: Non-Finnish European, 0.000085%; no homozygotes.

Submission:

Labcorp Genetics (formerly Invitae), Labcorp
Classification: Uncertain significance for Angelman syndrome. Last evaluated: 2023-01-20. Review status: criteria provided, single submitter. Criteria: Invitae Variant Classification Sherloc (09022015). Collection method: clinical testing. Allele origin: germline.
Comment: In summary, the available evidence is currently insufficient to determine the role of this variant in disease. Therefore, it has been classified as a Variant of Uncertain Significance. This sequence change replaces leucine, which is neutral and non-polar, with valine, which is neutral and non-polar, at codon 435 of the UBE3A protein (p.Leu435Val). This variant is present in population databases (no rsID available, gnomAD 0.0009%). This variant has not been reported in the literature in individuals affected with UBE3A-related conditions. Advanced modeling of protein sequence and biophysical properties (such as structural, functional, and spatial information, amino acid conservation, physicochemical variation, residue mobility, and thermodynamic stability) has been performed at Invitae for this missense variant, however the output from this modeling did not meet the statistical confidence thresholds required to predict the impact of this variant on UBE3A protein function. This variant disrupts the p.Leu435 amino acid residue in UBE3A. Other variant(s) that disrupt this residue have been determined to be pathogenic (PMID: 25212744, 33607653). This suggests that this residue is clinically significant, and that variants that disrupt this residue are likely to be disease-causing.

Literature cited by the submitters: PubMed 25212744; PubMed 33607653.